The following is an entry in ClinVar:

ClinVar aggregate classification (germline): Uncertain significance (1 of 4 stars; one submission).

Submission:

GeneDx
Classification: Uncertain significance. Last evaluated: 2025-04-22. Review status: criteria provided, single submitter. Criteria: GeneDx Variant Classification Process June 2021. Collection method: clinical testing. Allele origin: germline. Affected: yes.
Comment: Not observed at significant frequency in large population cohorts (gnomAD); Variant in a gene in which most reported pathogenic variants are truncating/loss of function; Has not been previously published as pathogenic or benign to our knowledge

NM_001267550.2(TTN):c.98006_98008del (p.Ala32669del)

Genes: TTN (titin; minus strand), TTN-AS1 (TTN antisense RNA 1; plus strand). Cytogenetic location: 2q31.2.
Variant type: Deletion.
Coding change: c.98006_98008del on transcript NM_001267550.2 (MANE Select); coding-DNA positions 98006 to 98008, 3 bases deleted (CAG; older notation c.98006_98008delCAG).
Protein change: p.Ala32669del; deletes alanine 32669.
Molecular consequence: inframe deletion. On other transcripts: non-coding transcript variant (1), inframe indel (1).
Genome position (GRCh38, 1-based): chr2:178,540,158-178,540,160, CTG deleted on the plus strand (CAG on the coding strand, the reverse complement: TTN is on the minus strand); deleting any 3 consecutive bases within chr2:178,540,158-178,540,161 gives the same sequence; the c. name uses the placement nearest the transcript's 3' end. VCF-style (leftmost placement, unchanged base first): chr2-178540157-TCTG-T. GRCh37 (hg19) VCF-style: chr2-179404884-TCTG-T.
Other names: c.93083_93085del, p.Ala31028del (NM_001256850.1); c.98005_98007delGCA, p.Ala32669del (NM_001267550.1); c.70811_70813del, p.Ala23604del (NM_003319.4); c.90302_90304del, p.Ala30101del (NM_133378.4); c.71186_71188del, p.Ala23729del (NM_133432.3); c.71387_71389del, p.Ala23796del (NM_133437.4); short protein forms A23796del, A30101del, A31028del, A32669del, A23604del, A23729del.
Identifiers: ClinVar variation 2136113 (VCV002136113.2), dbSNP rs1419153988, ClinGen allele CA761283573.